The following is an entry in ClinVar:

ClinVar aggregate classification (germline): Conflicting classifications of pathogenicity. Review status: criteria provided, conflicting classifications (1 of 4 stars). 4 submissions from 4 submitters: Pathogenic (2); Uncertain significance (1). 1 of the submissions does not count toward it. Last evaluated 2025-10-09.

Conditions:
Diamond-Blackfan anemia 15 with mandibulofacial dysostosis (DBA15). Identifiers: Orphanet 124, MedGen C4225411, MONDO:0011639, OMIM 606164.

Submissions (4):

Labcorp Genetics (formerly Invitae), Labcorp
Classification: Uncertain significance. Last evaluated: 2025-10-09. Review status: criteria provided, single submitter. Criteria: Invitae Variant Classification Sherloc (09022015). Collection method: clinical testing. Allele origin: germline.
Comment: This sequence change affects the initiator codon of the RPS28 mRNA. This change may impact translation initiation or efficiency. The next in-frame methionine is located at codon 35. This variant is not present in population databases (gnomAD no frequency). Disruption of the initiator codon has been observed in individual(s) with clinical features of Diamond Blackfan anemia with mandibulofacial dysostosis (PMID: 24942156, 35295078, 40135709). ClinVar contains an entry for this variant (Variation ID: 187848). In summary, the available evidence is currently insufficient to determine the role of this variant in disease. Therefore, it has been classified as a Variant of Uncertain Significance.

Centre of Medical Genetics, University Hospital Muenster
Classification: Pathogenic for Diamond-Blackfan anemia 15 with mandibulofacial dysostosis. Last evaluated: 2022-06-08. Review status: criteria provided, single submitter. Criteria: ACMG Guidelines, 2015. Collection method: clinical testing. Allele origin: unknown. Affected: yes. Observed: 1 variant allele, 1 heterozygote.
Comment: ACMG categories: PVS1,PS1,PP5

University of Washington Center for Mendelian Genomics, University of Washington
Classification: Pathogenic for Diamond-Blackfan anemia with microtia and cleft palate. Last evaluated: 2015-05-19. Review status: criteria provided, single submitter. Criteria: Submitter's publication. Collection method: research. Allele origin: germline. Affected: yes. Observed: 2 variant alleles.

OMIM
Classification: Pathogenic for DIAMOND-BLACKFAN ANEMIA 15 WITH MANDIBULOFACIAL DYSOSTOSIS. Last evaluated: 2018-03-14. Review status: no assertion criteria provided. Collection method: literature only. Allele origin: germline. Not counted in ClinVar's aggregate classification.

Literature cited by the submitters: PubMed 24942156 (cited by Labcorp Genetics (formerly Invitae), Labcorp); PubMed 35295078 (cited by Labcorp Genetics (formerly Invitae), Labcorp); PubMed 40135709 (cited by Labcorp Genetics (formerly Invitae), Labcorp); Gripp, K. W., Curry, C., Olney, A. H., Sandoval, C., Fisher, J., Chong, J. X.-L., UW Center for Mendelian Genomics, Pilchman, L., Sahraoui, R., Stabley, D. L., Sol-Church, K. Diamond-Blackfan anemia with mandibulofacial dystostosis (sic) is heterogeneous, including the novel DBA genes TSR2 and RPS28. Am. J. Med. Genet. 164A: 2240-2249, 2014. (cited by OMIM).

NM_001031.5(RPS28):c.1A>G (p.Met1Val)

Gene: RPS28 (ribosomal protein S28; plus strand). Cytogenetic location: 19p13.2.
Variant type: single nucleotide variant.
Coding change: c.1A>G on transcript NM_001031.5 (MANE Select); coding-DNA position 1, A replaced by G.
Protein change: p.Met1Val; changes the start codon (methionine 1).
Molecular consequence: missense variant, initiator codon variant.
Genome position (GRCh38, 1-based): chr19:8,321,531, A>G. VCF-style: chr19-8321531-A-G. GRCh37 (hg19) VCF-style: chr19-8386415-A-G.
Other names: short protein forms M1V.
Identifiers: ClinVar variation 187848 (VCV000187848.8), dbSNP rs786203997, ClinGen allele CA198543.